The following is an entry in ClinVar:

NM_000254.3(MTR):c.1522G>C (p.Glu508Gln)

Gene: MTR (5-methyltetrahydrofolate-homocysteine methyltransferase; plus strand). Cytogenetic location: 1q43.
Variant type: single nucleotide variant.
Coding change: c.1522G>C on transcript NM_000254.3 (MANE Select); coding-DNA position 1522, G replaced by C.
Protein change: p.Glu508Gln; replaces glutamic acid 508 with glutamine.
Molecular consequence: missense variant.
Genome position (GRCh38, 1-based): chr1:236,850,350, G>C. VCF-style: chr1-236850350-G-C. GRCh37 (hg19) VCF-style: chr1-237013650-G-C.
Other names: c.1522G>C, p.Glu508Gln (NM_001291939.1); c.301G>C, p.Glu101Gln (NM_001291940.2); short protein forms E101Q, E508Q.
Identifiers: ClinVar variation 646614 (VCV000646614.7), dbSNP rs1572261571, ClinGen allele CA345373795.

ClinVar aggregate classification (germline): Uncertain significance (1 of 4 stars; one submission).

Conditions:
Methylcobalamin deficiency type cblG (HMAG). Also called: HOMOCYSTINURIA-MEGALOBLASTIC ANEMIA, cblG COMPLEMENTATION TYPE; HOMOCYSTINURIA-MEGALOBLASTIC ANEMIA DUE TO DEFECT IN COBALAMIN METABOLISM, cblG COMPLEMENTATION TYPE; HOMOCYSTINURIA-MEGALOBLASTIC ANEMIA, cblG TYPE; Functional methionine synthase deficiency type cblG. Identifiers: Orphanet 2170, Orphanet 622, MedGen C1855128, MONDO:0009609, OMIM 250940.

Submission:

Labcorp Genetics (formerly Invitae), Labcorp
Classification: Uncertain significance for Methylcobalamin deficiency type cblG. Last evaluated: 2018-07-28. Review status: criteria provided, single submitter. Criteria: Invitae Variant Classification Sherloc (09022015). Collection method: clinical testing. Allele origin: germline.
Comment: In summary, the available evidence is currently insufficient to determine the role of this variant in disease. Therefore, it has been classified as a Variant of Uncertain Significance. Algorithms developed to predict the effect of missense changes on protein structure and function are either unavailable or do not agree on the potential impact of this missense change (SIFT: "Deleterious"; PolyPhen-2: "Possibly Damaging"; Align-GVGD: "Class C0"). This variant has not been reported in the literature in individuals with MTR-related disease. This variant is not present in population databases (ExAC no frequency). This sequence change replaces glutamic acid with glutamine at codon 508 of the MTR protein (p.Glu508Gln). The glutamic acid residue is highly conserved and there is a small physicochemical difference between glutamic acid and glutamine.